The following is an entry in ClinVar:

Conditions:
Breast-ovarian cancer, familial, susceptibility to, 1 (BROVCA1). Also called: BRCA1 Hereditary Breast and Ovarian Cancer; OVARIAN CANCER, SUSCEPTIBILITY TO. Identifiers: Orphanet 145, MedGen C2676676, MONDO:0011450, OMIM 604370. Disease mechanism: loss of function.

Submission:

Brotman Baty Institute, University of Washington
No classification provided (evidence only). Condition: Breast-ovarian cancer, familial 1. Review status: no classification provided. Collection method: in vitro. Allele origin: not applicable. Functional consequence: functionally_normal.
ClinVar note: "not provided" was previously submitted as the classification for the variant. However, the classification appeared to be based only on an observation of functional data so it was converted to no classification on 2025-07-30.

NM_007294.4(BRCA1):c.194A>T (p.Lys65Met)

Gene: BRCA1 (BRCA1 DNA repair associated; minus strand). Cytogenetic location: 17q21.31.
Variant type: single nucleotide variant.
Coding change: c.194A>T on transcript NM_007294.4 (MANE Select); coding-DNA position 194, A replaced by T.
Protein change: p.Lys65Met; replaces lysine 65 with methionine.
Molecular consequence: missense variant.
Genome position (GRCh38, 1-based): chr17:43,106,474, T>A on the plus strand (A>T on the coding strand, the complement: BRCA1 is on the minus strand). VCF-style: chr17-43106474-T-A. GRCh37 (hg19) VCF-style: chr17-41258491-T-A.
Other names: c.194A>T, p.Lys65Met (NM_001407681.1, NM_001407682.1, NM_001407683.1 and 168 more transcripts); c.53A>T, p.Lys18Met (NM_001407692.1, NM_001407694.1, NM_001407695.1 and 99 more transcripts); short protein forms K65M, K18M.
Identifiers: ClinVar variation 868267 (VCV000868267.3), dbSNP rs2054775618, ClinGen allele CA10601780.